The following is an entry in ClinVar:

NM_000038.6(APC):c.1626+2T>G

Gene: APC (APC regulator of Wnt signaling pathway; plus strand). Cytogenetic location: 5q22.2.
Variant type: single nucleotide variant.
Coding change: c.1626+2T>G on transcript NM_000038.6 (MANE Select); the canonical splice donor site of the intron after coding-DNA position 1626, T replaced by G.
Molecular consequence: splice donor variant.
Genome position (GRCh38, 1-based): chr5:112,828,008, T>G. VCF-style: chr5-112828008-T-G. GRCh37 (hg19) VCF-style: chr5-112163705-T-G.
Other names: c.1542+2T>G (NM_001354899.2); c.1239+2T>G (NM_001407467.1, NM_001407469.1); c.1449+2T>G (NM_001354901.2, NM_001407453.1); c.1146+2T>G (NM_001354905.2); c.1503+2T>G (NM_001354900.2); c.777+2T>G (NM_001407470.1, NM_001354906.2); c.474+2T>G (NM_001407472.1, NM_001407471.1); c.1680+2T>G (NM_001407447.1, NM_001407448.1, NM_001407449.1 and 1 more transcripts); and 11 more.
Identifiers: ClinVar variation 230944 (VCV000230944.8), dbSNP rs876658858, ClinGen allele CA10578321.

ClinVar aggregate classification (germline): Likely pathogenic. Review status: reviewed by expert panel (3 of 4 stars). 3 submissions from 3 submitters: Likely pathogenic (1). 2 of the submissions do not count toward it. Last evaluated 2023-02-19.

Conditions:
Hereditary cancer-predisposing syndrome. Also called: Neoplastic Syndromes, Hereditary; Tumor predisposition; Hereditary Cancer Syndrome; Hereditary neoplastic syndrome. Identifiers: Orphanet 140162, MedGen C0027672, MeSH D009386, MONDO:0015356.
Familial adenomatous polyposis 1 (FAP1). Also called: FAMILIAL ADENOMATOUS POLYPOSIS 1, ATTENUATED; POLYPOSIS, ADENOMATOUS INTESTINAL. Identifiers: MedGen C2713442, MONDO:0021056, OMIM 175100. Disease mechanism: loss of function.

Submissions (3):

ClinGen InSiGHT Hereditary Colorectal Cancer/Polyposis Variant Curation Expert Panel
Classification: Likely pathogenic for Familial adenomatous polyposis 1. Last evaluated: 2023-02-19. Review status: reviewed by expert panel. Criteria: ClinGen InSiGHT HCCP VCEP ACMG Specifications APC V1. Collection method: curation. Allele origin: germline. Inheritance: Autosomal dominant inheritance.
Comment: The c.1626+2T>G variant in APC occurs within the canonical splice donor site (±1/2) of intron 13. It is predicted to cause skipping of exon 13, resulting in an in-frame deletion (removing amino acids 517-542) of an exon with sufficient supportive clinical data (PVS1). This variant is absent from gnomAD v2.1.1 (PM2_supporting). In summary, this variant meets the criteria to be classified as Likely Pathogenic for FAP based on the ACMG/AMP criteria applied, as specified by the ClinGen InSiGHT Hereditary Colorectal Cancer/Polyposis Variant Curation Expert Panel: PVS1, PM2_supporting (Specification Version 1.0; date of approval: 12/12/2022).

Myriad Genetics, Inc.
Classification: Likely pathogenic for Familial adenomatous polyposis 1. Last evaluated: 2023-05-02. Review status: criteria provided, single submitter. Criteria: Myriad Autosomal Dominant, Autosomal Recessive and X-Linked Classification Criteria (2023). Collection method: clinical testing. Allele origin: unknown. Not counted in ClinVar's aggregate classification.
Comment: This variant is considered likely pathogenic. This variant occurs within a consensus splice junction and is predicted to result in abnormal mRNA splicing of either an out-of-frame exon or an in-frame exon necessary for protein stability and/or normal function.

Ambry Genetics
Classification: Likely pathogenic for Hereditary cancer-predisposing syndrome. Last evaluated: 2015-03-10. Review status: criteria provided, single submitter. Criteria: Ambry Variant Classification Scheme 2023. Collection method: clinical testing. Allele origin: germline. Not counted in ClinVar's aggregate classification.
Comment: The c.1626+2T>G intronic variant results from a T to G substitution two nucleotides after coding exon 12 in the APC gene. This variant was not reported in population based cohorts in the following databases: Database of Single Nucleotide Polymorphisms (dbSNP), NHLBI Exome Sequencing Project (ESP), and 1000 Genomes Project. In the ESP, this variant was not observed in 6502 samples (13004 alleles) with coverage at this position. To date, this alteration has been detected with an allele frequency of approximately 0.005% (greater than 21,000 alleles tested) in our clinical cohort. This nucleotide position is highly conserved in available vertebrate species. Using the BDGP and ESEfinder splice site prediction tools, this alteration is predicted to abolish the native donor splice site; however, direct evidence is unavailable. Alterations that disrupt the canonical splice donor site are typically deleterious in nature (ACMG Recommendations for Standards for Interpretation and Reporting of Sequence Variations. Revision 2007. Genet Med. 2008;10:294). As such, the c.1626+2T>G variant is classified as likely pathogenic.